The following is an entry in ClinVar:

ClinVar aggregate classification (germline): Uncertain significance. Review status: criteria provided, multiple submitters, no conflicts (2 of 4 stars). 2 submissions from 2 submitters: Uncertain significance (2). Last evaluated 2025-06-01.

Conditions:
Inborn genetic diseases. Identifiers: MedGen C0950123, MeSH D030342.

Submissions (2):

Ambry Genetics
Classification: Uncertain significance for Inborn genetic diseases. Last evaluated: 2025-06-01. Review status: criteria provided, single submitter. Criteria: Ambry Variant Classification Scheme 2023. Collection method: clinical testing. Allele origin: germline.
Comment: The p.I753T variant (also known as c.2258T>C), located in coding exon 21 of the ANKRD26 gene, results from a T to C substitution at nucleotide position 2258. The isoleucine at codon 753 is replaced by threonine, an amino acid with similar properties. This amino acid position is conserved. In addition, this alteration is predicted to be tolerated by in silico analysis. Based on the available evidence, the clinical significance of this variant remains unclear.

Labcorp Genetics (formerly Invitae), Labcorp
Classification: Uncertain significance. Last evaluated: 2025-04-18. Review status: criteria provided, single submitter. Criteria: Invitae Variant Classification Sherloc (09022015). Collection method: clinical testing. Allele origin: germline.
Comment: This sequence change replaces isoleucine, which is neutral and non-polar, with threonine, which is neutral and polar, at codon 753 of the ANKRD26 protein (p.Ile753Thr). This variant is not present in population databases (gnomAD no frequency). This variant has not been reported in the literature in individuals affected with ANKRD26-related conditions. An algorithm developed to predict the effect of missense changes on protein structure and function outputs the following: PolyPhen-2: "Benign". The threonine amino acid residue is found in multiple mammalian species, which suggests that this missense change does not adversely affect protein function. In summary, the available evidence is currently insufficient to determine the role of this variant in disease. Therefore, it has been classified as a Variant of Uncertain Significance.

NM_014915.3(ANKRD26):c.2258T>C (p.Ile753Thr)

Gene: ANKRD26 (ankyrin repeat domain 26; minus strand). Cytogenetic location: 10p12.1.
Variant type: single nucleotide variant.
Coding change: c.2258T>C on transcript NM_014915.3 (MANE Select); coding-DNA position 2258, T replaced by C.
Protein change: p.Ile753Thr; replaces isoleucine 753 with threonine.
Molecular consequence: missense variant.
Genome position (GRCh38, 1-based): chr10:27,040,082, A>G on the plus strand (T>C on the coding strand, the complement: ANKRD26 is on the minus strand). VCF-style: chr10-27040082-A-G. GRCh37 (hg19) VCF-style: chr10-27329011-A-G.
Other names: c.2255T>C, p.Ile752Thr (NM_001256053.2); short protein forms I752T, I753T.
Identifiers: ClinVar variation 3912454 (VCV003912454.2).